The following is an entry in ClinVar:

NM_139057.4(ADAMTS17):c.*1490C>T

Gene: ADAMTS17 (ADAM metallopeptidase with thrombospondin type 1 motif 17; minus strand). Cytogenetic location: 15q26.3.
Variant type: single nucleotide variant.
Coding change: c.*1490C>T on transcript NM_139057.4 (MANE Select); 1490 bases downstream of the stop codon, C replaced by T.
Molecular consequence: 3 prime UTR variant.
Genome position (GRCh38, 1-based): chr15:99,972,912, G>A on the plus strand (C>T on the coding strand, the complement: ADAMTS17 is on the minus strand). VCF-style: chr15-99972912-G-A. GRCh37 (hg19) VCF-style: chr15-100513117-G-A.
Identifiers: ClinVar variation 315183 (VCV000315183.6), dbSNP rs2727195, ClinGen allele CA10646855.

ClinVar aggregate classification (germline): Benign. Review status: criteria provided, multiple submitters, no conflicts (2 of 4 stars). 2 submissions from 2 submitters: Benign (2). Last evaluated 2018-01-12.

Conditions:
Weill-Marchesani 4 syndrome, recessive. Also called: Weill-Marchesani syndrome 4. Identifiers: Orphanet 363992, MedGen C2750787, MONDO:0013176, OMIM 613195.

Allele frequency attached by ClinVar (database versions not stated): 1000 Genomes Project 0.55491; 1000 Genomes Project 30x 0.55887; gnomAD exomes 0.58696; TOPMed 0.59299; gnomAD 0.60932 and 0.61407.
gnomAD v4.1: 92,673 of 152,122 alleles (61%); highest among the groups gnomAD compares: Non-Finnish European, 64%; 28,563 homozygotes.

Submissions (2):

Illumina Laboratory Services, Illumina
Classification: Benign for Weill-Marchesani 4 syndrome, recessive. Last evaluated: 2018-01-12. Review status: criteria provided, single submitter. Criteria: ICSL Variant Classification Criteria 13 December 2019. Collection method: clinical testing. Allele origin: germline.
Comment: This variant was observed in the ICSL laboratory as part of a predisposition screen in an ostensibly healthy population. It had not been previously curated by ICSL or reported in the Human Gene Mutation Database (HGMD: prior to June 1st, 2018), and was therefore a candidate for classification through an automated scoring system. Utilizing variant allele frequency, disease prevalence and penetrance estimates, and inheritance mode, an automated score was calculated to assess if this variant is too frequent to cause the disease. Based on the score and internal cut-off values, a variant classified as benign is not then subjected to further curation. The score for this variant resulted in a classification of benign for this disease.

Breakthrough Genomics
Classification: Benign. Review status: criteria provided, single submitter. Criteria: ACMG Guidelines, 2015. Collection method: not provided. Allele origin: germline. Inheritance: Autosomal recessive inheritance. Affected: yes.